The following is an entry in ClinVar:

ClinVar aggregate classification (germline): Uncertain significance. Review status: criteria provided, multiple submitters, no conflicts (2 of 4 stars). 2 submissions from 2 submitters: Uncertain significance (2). Last evaluated 2026-06-24.

Conditions:
Inborn genetic diseases. Identifiers: MedGen C0950123, MeSH D030342.
T-cell immunodeficiency, congenital alopecia, and nail dystrophy. Also called: Congenital alopecia and nail dystrophy associated with severe functional T-cell immunodeficiency; Pignata Guarino syndrome. Identifiers: Orphanet 169095, MedGen C1866426, MONDO:0011132, OMIM 601705.

Allele frequency attached by ClinVar (database versions not stated): gnomAD 0.00001; TOPMed 0.00001.

Submissions (2):

Ambry Genetics
Classification: Uncertain significance for Inborn genetic diseases. Last evaluated: 2026-06-24. Review status: criteria provided, single submitter. Criteria: Ambry Variant Classification Scheme 2023. Collection method: clinical testing. Allele origin: germline.

Labcorp Genetics (formerly Invitae), Labcorp
Classification: Uncertain significance for T-cell immunodeficiency, congenital alopecia, and nail dystrophy. Last evaluated: 2021-10-22. Review status: criteria provided, single submitter. Criteria: Invitae Variant Classification Sherloc (09022015). Collection method: clinical testing. Allele origin: germline.
Comment: This variant has not been reported in the literature in individuals affected with FOXN1-related conditions. This sequence change replaces serine with glycine at codon 47 of the FOXN1 protein (p.Ser47Gly). The serine residue is weakly conserved and there is a small physicochemical difference between serine and glycine. This variant is not present in population databases (ExAC no frequency). Algorithms developed to predict the effect of missense changes on protein structure and function (SIFT, PolyPhen-2, Align-GVGD) all suggest that this variant is likely to be tolerated. In summary, the available evidence is currently insufficient to determine the role of this variant in disease. Therefore, it has been classified as a Variant of Uncertain Significance.

NM_001369369.1(FOXN1):c.139A>G (p.Ser47Gly)

Gene: FOXN1 (forkhead box N1; plus strand). Cytogenetic location: 17q11.2.
Variant type: single nucleotide variant.
Coding change: c.139A>G on transcript NM_001369369.1 (MANE Select); coding-DNA position 139, A replaced by G.
Protein change: p.Ser47Gly; replaces serine 47 with glycine.
Molecular consequence: missense variant.
Genome position (GRCh38, 1-based): chr17:28,524,518, A>G. VCF-style: chr17-28524518-A-G. GRCh37 (hg19) VCF-style: chr17-26851536-A-G.
Other names: c.139A>G, p.Ser47Gly (NM_003593.3); c.139A>G (NM_003593.2); short protein forms S47G.
Identifiers: ClinVar variation 1485264 (VCV001485264.7), dbSNP rs1325265554, ClinGen allele CA398320488.